The following is an entry in ClinVar:

ClinVar aggregate classification (germline): Uncertain significance. Review status: criteria provided, multiple submitters, no conflicts (2 of 4 stars). 2 submissions from 2 submitters: Uncertain significance (2). Last evaluated 2025-08-14.

Conditions:
Inborn genetic diseases. Identifiers: MedGen C0950123, MeSH D030342.
Bailey-Bloch congenital myopathy (CMYO13). Also called: Congenital myopathy 13; Native American myopathy; STAC3 disorder. Identifiers: Orphanet 168572, MedGen C1850625, MONDO:0009722, OMIM 255995.

Allele frequency attached by ClinVar (database versions not stated): ExAC 0.00001; gnomAD exomes 0.00001; TOPMed 0.00002.
gnomAD v4.1: 7 of 1,614,018 alleles (0.00043%); highest among the groups gnomAD compares: Admixed American, 0.0017%; no homozygotes.

Submissions (2):

Ambry Genetics
Classification: Uncertain significance for Inborn genetic diseases. Last evaluated: 2025-08-14. Review status: criteria provided, single submitter. Criteria: Ambry Variant Classification Scheme 2023. Collection method: clinical testing. Allele origin: germline.

Labcorp Genetics (formerly Invitae), Labcorp
Classification: Uncertain significance for Bailey-Bloch congenital myopathy. Last evaluated: 2022-07-26. Review status: criteria provided, single submitter. Criteria: Invitae Variant Classification Sherloc (09022015). Collection method: clinical testing. Allele origin: germline.
Comment: This sequence change replaces isoleucine, which is neutral and non-polar, with valine, which is neutral and non-polar, at codon 63 of the STAC3 protein (p.Ile63Val). This variant is present in population databases (rs772643404, gnomAD 0.003%). This variant has not been reported in the literature in individuals affected with STAC3-related conditions. ClinVar contains an entry for this variant (Variation ID: 837180). Algorithms developed to predict the effect of missense changes on protein structure and function (SIFT, PolyPhen-2, Align-GVGD) all suggest that this variant is likely to be tolerated. In summary, the available evidence is currently insufficient to determine the role of this variant in disease. Therefore, it has been classified as a Variant of Uncertain Significance.

NM_145064.3(STAC3):c.187A>G (p.Ile63Val)

Gene: STAC3 (SH3 and cysteine rich domain 3; minus strand). Cytogenetic location: 12q13.3.
Variant type: single nucleotide variant.
Coding change: c.187A>G on transcript NM_145064.3 (MANE Select); coding-DNA position 187, A replaced by G.
Protein change: p.Ile63Val; replaces isoleucine 63 with valine.
Molecular consequence: missense variant. On other transcripts: intron variant (1).
Genome position (GRCh38, 1-based): chr12:57,249,188, T>C on the plus strand (A>G on the coding strand, the complement: STAC3 is on the minus strand). VCF-style: chr12-57249188-T-C. GRCh37 (hg19) VCF-style: chr12-57642971-T-C.
Other names: c.70A>G, p.Ile24Val (NM_001286256.2); c.-126-990A>G (NM_001286257.2); c.187A>G (NM_145064.1); short protein forms I63V, I24V.
Identifiers: ClinVar variation 837180 (VCV000837180.8), dbSNP rs772643404, ClinGen allele CA6647229.
Genomic context (GRCh38, chr12:57,249,188, plus strand): 5'-TAGGAGGTTCTGGGGGTGGCTCCTCCTCCTCCTCTTCTTCCTCTTCCTCTTCCTCATAGA[T>C]GTAGTAGATGGGCCCACCCCCAGCTCCCACTGCCTCCCCATTGGCCTGGGGCTCTGGGGG-3'
Protein context (NP_659501.1, residues 53-73): VGAGGGPIYY[Ile63Val]YEEEEEEEEE